The following is an entry in ClinVar:

ClinVar aggregate classification (germline): Likely benign (1 of 4 stars; one submission).

gnomAD v4.1: 569 of 1,611,452 alleles (0.035%); highest among the groups gnomAD compares: African/African-American, 0.7%; 5 homozygotes.

Submission:

CeGaT Center for Human Genetics Tuebingen
Classification: Likely benign. Last evaluated: 2025-12-01. Review status: criteria provided, single submitter. Criteria: CeGaT Center For Human Genetics Tuebingen Variant Classification Criteria Version 2. Collection method: clinical testing. Allele origin: germline. Affected: yes. Observed: 1 variant allele.
Comment: PPFIA3: BP4, BP7

NM_003660.4(PPFIA3):c.1530T>G (p.Pro510=)

Gene: PPFIA3 (PPFI scaffold protein A3; plus strand). Cytogenetic location: 19q13.33.
Variant type: single nucleotide variant.
Coding change: c.1530T>G on transcript NM_003660.4 (MANE Select); coding-DNA position 1530, T replaced by G.
Protein change: p.Pro510=; no amino-acid change (proline 510 retained).
Molecular consequence: synonymous variant. On other transcripts: non-coding transcript variant (1).
Genome position (GRCh38, 1-based): chr19:49,135,788, T>G. VCF-style: chr19-49135788-T-G. GRCh37 (hg19) VCF-style: chr19-49639045-T-G.
Identifiers: ClinVar variation 4681447 (VCV004681447.5).